The following is an entry in ClinVar:

NM_000313.4(PROS1):c.526del (p.Asp176fs)

Gene: PROS1 (protein S; minus strand). Cytogenetic location: 3q11.1.
Variant type: Deletion.
Coding change: c.526del on transcript NM_000313.4 (MANE Select); coding-DNA position 526, one base deleted (G; older notation c.526delG).
Protein change: p.Asp176fs; shifts the reading frame from aspartic acid 176.
Molecular consequence: frameshift variant.
Genome position (GRCh38, 1-based): chr3:93,905,859, C deleted on the plus strand (G on the coding strand, the reverse complement: PROS1 is on the minus strand). VCF-style (leftmost placement, unchanged base first): chr3-93905858-TC-T. GRCh37 (hg19) VCF-style: chr3-93624702-TC-T.
Other names: c.622del, p.Asp208fs (NM_001314077.2); short protein forms D208fs, D176fs.
Identifiers: ClinVar variation 4732945 (VCV004732945.1).

ClinVar aggregate classification (germline): Pathogenic (1 of 4 stars; one submission).

Conditions:
Thrombophilia due to protein S deficiency, autosomal recessive (THPH6). Identifiers: Orphanet 743, MedGen C3281092, MONDO:0013791, OMIM 614514. Disease mechanism: loss of function.

Submission:

Labcorp Genetics (formerly Invitae), Labcorp
Classification: Pathogenic for Thrombophilia due to protein S deficiency, autosomal recessive. Last evaluated: 2025-12-10. Review status: criteria provided, single submitter. Criteria: Invitae Variant Classification Sherloc (09022015). Collection method: clinical testing. Allele origin: germline.
Comment: This sequence change creates a premature translational stop signal (p.Asp176Ilefs*32) in the PROS1 gene. It is expected to result in an absent or disrupted protein product. Loss-of-function variants in PROS1 are known to be pathogenic (PMID: 9241758). This variant is not present in population databases (gnomAD no frequency). This variant has not been reported in the literature in individuals affected with PROS1-related conditions. Algorithms developed to predict the effect of sequence changes on RNA splicing suggest that this variant may disrupt the consensus splice site. For these reasons, this variant has been classified as Pathogenic.

Literature cited by the submitters: PubMed 9241758.